The following is an entry in ClinVar:

NM_003721.4(RFXANK):c.734A>C (p.His245Pro)

Genes: NR2C2AP (nuclear receptor 2C2 associated protein; minus strand), RFXANK (regulatory factor X associated ankyrin containing protein; plus strand). Cytogenetic location: 19p13.11.
Variant type: single nucleotide variant.
Coding change: c.734A>C on transcript NM_003721.4 (MANE Select); coding-DNA position 734, A replaced by C.
Protein change: p.His245Pro; replaces histidine 245 with proline.
Molecular consequence: missense variant. On other transcripts: 3 prime UTR variant (1), intron variant (1).
Genome position (GRCh38, 1-based): chr19:19,201,670, A>C. VCF-style: chr19-19201670-A-C. GRCh37 (hg19) VCF-style: chr19-19312479-A-C.
Other names: NM_003721.4(NP_003712.1):p.(His245Pro); c.*255T>G (NM_176880.6); c.668A>C, p.His223Pro (NM_001278727.2, NM_001370234.1); c.665A>C, p.His222Pro (NM_001278728.2, NM_134440.3); c.734A>C, p.His245Pro (NM_001370233.1); c.731A>C, p.His244Pro (NM_001370235.1, NM_001370236.1); c.806A>C, p.His269Pro (NM_001370237.1); c.809A>C, p.His270Pro (NM_001370238.1); and 1 more; short protein forms H222P, H223P, H244P, H245P, H269P, H270P.
Identifiers: ClinVar variation 4890787 (VCV004890787.1).

ClinVar aggregate classification (germline): Likely pathogenic (1 of 4 stars; one submission).

Conditions:
MHC class II deficiency 2. Also called: Bare lymphocyte syndrome, type II, complementation group B. Identifiers: MedGen C1859535, MONDO:0971013, OMIM 620815.

Submission:

Department of Medical Immunology, Beni Messous University Hospital Center
Classification: Likely pathogenic for MHC class II deficiency 2. Last evaluated: 2026-09-10. Review status: criteria provided, single submitter. Criteria: ACMG Guidelines, 2015. Collection method: research. Allele origin: germline. Affected: yes. Observed: 1 variant allele.
Comment: Classified according to ACMG/AMP 2015 criteria PM2, PM3, PP3, and PP4. The variant is absent from gnomAD v4.1.1 and v2.1.1. Computational evidence supports a deleterious effect (SIFT 0, PolyPhen-2 1.0, CADD PHRED 28.1).